The following is an entry in ClinVar:

ClinVar aggregate classification (germline): Likely pathogenic (1 of 4 stars; one submission).

Submission:

Genetic Services Laboratory, University of Chicago
Classification: Likely pathogenic. Last evaluated: 2024-11-22. Review status: criteria provided, single submitter. Criteria: ACMG Guidelines, 2015. Collection method: clinical testing. Allele origin: germline. Affected: yes.
Comment: DNA sequence analysis of the SMAD4 gene demonstrated a single base pair deletion in exon 7, c.829del. This sequence change results in an amino acid frameshift and creates a premature stop codon 58 amino acids downstream of the change, p.Thr277Hisfs*59. This sequence change is predicted to result in an abnormal transcript, which may be degraded, or may lead to the production of a truncated SMAD4 protein with potentially abnormal function. The c.829del sequence change has not been described in population databases such as ExAC and gnomAD. While this deletion has not previously been described in the literature, other loss of function variants in the SMAD4 gene have been described in several individuals with SMAD4-related disorders (PMID: 16152648, 16436638, 22810475). This sequence change is likely pathogenic, however functional studies have not been performed to prove this conclusively.

NM_005359.6(SMAD4):c.829del (p.Thr277fs)

Gene: SMAD4 (SMAD family member 4; plus strand). Cytogenetic location: 18q21.2.
Variant type: Deletion.
Coding change: c.829del on transcript NM_005359.6 (MANE Select); coding-DNA position 829, one base deleted (A; older notation c.829delA).
Protein change: p.Thr277fs; shifts the reading frame from threonine 277.
Molecular consequence: frameshift variant. On other transcripts: non-coding transcript variant (2).
Genome position (GRCh38, 1-based): chr18:51,058,381, A deleted. VCF-style (leftmost placement, unchanged base first): chr18-51058380-CA-C. GRCh37 (hg19) VCF-style: chr18-48584750-CA-C.
Other names: c.829del, p.Thr277fs (NM_001407041.1, NM_001407042.1, NM_001407043.1); c.829delA, p.Thr277Hisfs (NM_005359.5); short protein forms T277fs.
Identifiers: ClinVar variation 4082514 (VCV004082514.2).